The following is an entry in ClinVar:

NM_001113378.2(FANCI):c.158-2A>G

Gene: FANCI (FA complementation group I; plus strand). Cytogenetic location: 15q26.1.
Variant type: single nucleotide variant.
Coding change: c.158-2A>G on transcript NM_001113378.2 (MANE Select); the canonical splice acceptor site of the intron before coding-DNA position 158, A replaced by G.
Molecular consequence: splice acceptor variant.
Genome position (GRCh38, 1-based): chr15:89,260,711, A>G. VCF-style: chr15-89260711-A-G. GRCh37 (hg19) VCF-style: chr15-89803942-A-G.
Other names: c.158-2A>G (NM_018193.3, NM_001376911.1); c.-122-2A>G (NM_001376910.1).
Identifiers: ClinVar variation 225355 (VCV000225355.5), dbSNP rs762128147, ClinGen allele CA7722517.

ClinVar aggregate classification (germline): Pathogenic/Likely pathogenic. Review status: criteria provided, multiple submitters, no conflicts (2 of 4 stars). 3 submissions from 3 submitters: Pathogenic (2); Likely pathogenic (1). Last evaluated 2025-12-24.

Conditions:
Fanconi anemia complementation group I (FANCI). Also called: FANCI-Related Fanconi Anemia. Identifiers: Orphanet 84, MedGen C1836861, MONDO:0012186, OMIM 609053.
Fanconi anemia (FA). Also called: Fanconi's anemia. Identifiers: Orphanet 84, MedGen C0015625, MeSH D005199, MONDO:0019391.

Allele frequency attached by ClinVar (database versions not stated): gnomAD exomes below 0.00001; ExAC 0.00001; gnomAD 0.00001.

Submissions (3):

Labcorp Genetics (formerly Invitae), Labcorp
Classification: Pathogenic for Fanconi anemia. Last evaluated: 2025-12-24. Review status: criteria provided, single submitter. Criteria: Invitae Variant Classification Sherloc (09022015). Collection method: clinical testing. Allele origin: germline.
Comment: This sequence change affects an acceptor splice site in intron 3 of the FANCI gene. RNA analysis indicates that disruption of this splice site induces altered splicing and may result in an absent or altered protein product. This variant is present in population databases (rs762128147, gnomAD 0.01%). Disruption of this splice site has been observed in individual(s) with clinical features of Fanconi anemia, premature ovarian insufficiency, and/or renal cancer (PMID: 30792206, 32868804, 36915884, 38483614). ClinVar contains an entry for this variant (Variation ID: 225355). Studies have shown that disruption of this splice site alters mRNA splicing and is expected to lead to the loss of protein expression (PMID: 30792206, 38483614). For these reasons, this variant has been classified as Pathogenic.

Baylor Genetics
Classification: Pathogenic for Fanconi anemia complementation group I. Last evaluated: 2022-12-23. Review status: criteria provided, single submitter. Criteria: ACMG Guidelines, 2015. Collection method: clinical testing. Allele origin: unknown.

Soonchunhyang University Bucheon Hospital, Soonchunhyang University Medical Center
Classification: Likely pathogenic for Fanconi anemia complementation group I. Last evaluated: 2016-03-18. Review status: criteria provided, single submitter. Criteria: ACMG Guidelines, 2015. Collection method: reference population. Allele origin: germline. Observed: 1 variant allele.

Literature cited by the submitters: PubMed 30792206 (cited by Labcorp Genetics (formerly Invitae), Labcorp); PubMed 32868804 (cited by Labcorp Genetics (formerly Invitae), Labcorp); PubMed 36915884 (cited by Labcorp Genetics (formerly Invitae), Labcorp); PubMed 38483614 (cited by Labcorp Genetics (formerly Invitae), Labcorp); PubMed 17452773 (cited by Soonchunhyang University Bucheon Hospital, Soonchunhyang University Medical Center).